The following is an entry in ClinVar:

NM_004239.4(TRIP11):c.5246A>C (p.Glu1749Ala)

Gene: TRIP11 (thyroid hormone receptor interactor 11; minus strand). Cytogenetic location: 14q32.12.
Variant type: single nucleotide variant.
Coding change: c.5246A>C on transcript NM_004239.4 (MANE Select); coding-DNA position 5246, A replaced by C.
Protein change: p.Glu1749Ala; replaces glutamic acid 1749 with alanine.
Molecular consequence: missense variant.
Genome position (GRCh38, 1-based): chr14:91,988,298, T>G on the plus strand (A>C on the coding strand, the complement: TRIP11 is on the minus strand). VCF-style: chr14-91988298-T-G. GRCh37 (hg19) VCF-style: chr14-92454642-T-G.
Other names: c.5243A>C, p.Glu1748Ala (NM_001321851.1); short protein forms E1749A, E1748A.
Identifiers: ClinVar variation 516323 (VCV000516323.27), dbSNP rs2273183, ClinGen allele CA7313233.

ClinVar aggregate classification (germline): Benign. Review status: criteria provided, multiple submitters, no conflicts (2 of 4 stars). 6 submissions from 6 submitters: Benign (6). Last evaluated 2026-08-01.

Conditions:
Connective tissue disorder. Also called: Connective tissue disease. Identifiers: MedGen C0009782, MONDO:0003900.
Achondrogenesis, type IA (ACG1A). Identifiers: Orphanet 932, Orphanet 93299, MedGen C0265273, MONDO:0008701, OMIM 200600.

Allele frequency attached by ClinVar (database versions not stated): ESP Exome Variant Server 0.00092; gnomAD exomes 0.00133 and 0.00333; gnomAD 0.00188 and 0.00240; TOPMed 0.00233; ExAC 0.00363; 1000 Genomes Project 30x 0.00625; 1000 Genomes Project 0.00699.
gnomAD v4.1: 2,477 of 1,612,194 alleles (0.15%); highest among the groups gnomAD compares: East Asian, 1.5%; 24 homozygotes.

Submissions (6):

CeGaT Center for Human Genetics Tuebingen
Classification: Benign. Last evaluated: 2026-08-01. Review status: criteria provided, single submitter. Criteria: CeGaT Center For Human Genetics Tuebingen Variant Classification Criteria Version 2. Collection method: clinical testing. Allele origin: germline. Affected: yes. Observed: 1 variant allele.
Comment: TRIP11: BP4, BS1, BS2

Labcorp Genetics (formerly Invitae), Labcorp
Classification: Benign for Achondrogenesis, type IA. Last evaluated: 2026-01-24. Review status: criteria provided, single submitter. Criteria: Invitae Variant Classification Sherloc (09022015). Collection method: clinical testing. Allele origin: germline.

ARUP Laboratories, Molecular Genetics and Genomics, ARUP Laboratories
Classification: Benign. Last evaluated: 2024-07-22. Review status: criteria provided, single submitter. Criteria: ARUP Molecular Germline Variant Investigation Process 2024. Collection method: clinical testing. Allele origin: germline.

Genome Diagnostics Laboratory, The Hospital for Sick Children
Classification: Benign for Connective tissue disorder. Last evaluated: 2021-12-10. Review status: criteria provided, single submitter. Criteria: ACMG Guidelines, 2015. Collection method: clinical testing. Allele origin: germline.

Illumina Laboratory Services, Illumina
Classification: Benign for Achondrogenesis, type IA. Last evaluated: 2018-01-12. Review status: criteria provided, single submitter. Criteria: ICSL Variant Classification Criteria 13 December 2019. Collection method: clinical testing. Allele origin: germline.
Comment: This variant was observed in the ICSL laboratory as part of a predisposition screen in an ostensibly healthy population. It had not been previously curated by ICSL or reported in the Human Gene Mutation Database (HGMD: prior to June 1st, 2018), and was therefore a candidate for classification through an automated scoring system. Utilizing variant allele frequency, disease prevalence and penetrance estimates, and inheritance mode, an automated score was calculated to assess if this variant is too frequent to cause the disease. Based on the score and internal cut-off values, a variant classified as benign is not then subjected to further curation. The score for this variant resulted in a classification of benign for this disease.

GeneDx
Classification: Benign. Last evaluated: 2017-04-27. Review status: criteria provided, single submitter. Criteria: GeneDx Variant Classification (06012015). Collection method: clinical testing. Allele origin: germline. Affected: yes.
Comment: This variant is considered likely benign or benign based on one or more of the following criteria: it is a conservative change, it occurs at a poorly conserved position in the protein, it is predicted to be benign by multiple in silico algorithms, and/or has population frequency not consistent with disease.